The following is an entry in ClinVar:

ClinVar aggregate classification (germline): Uncertain significance (1 of 4 stars; one submission).

Conditions:
Hereditary cancer-predisposing syndrome. Also called: Hereditary Cancer Syndrome; Hereditary neoplastic syndrome; Neoplastic Syndromes, Hereditary; Tumor predisposition. Identifiers: Orphanet 140162, MedGen C0027672, MeSH D009386, MONDO:0015356.

Submission:

Ambry Genetics
Classification: Uncertain significance for Hereditary cancer-predisposing syndrome. Last evaluated: 2021-04-02. Review status: criteria provided, single submitter. Criteria: Ambry Variant Classification Scheme 2023. Collection method: clinical testing. Allele origin: germline.
Comment: The p.I204F variant (also known as c.610A>T), located in coding exon 4 of the NTHL1 gene, results from an A to T substitution at nucleotide position 610. The isoleucine at codon 204 is replaced by phenylalanine, an amino acid with highly similar properties. This amino acid position is highly conserved in available vertebrate species. In addition, the in silico prediction for this alteration is inconclusive. Since supporting evidence is limited at this time, the clinical significance of this alteration remains unclear.

NM_002528.7(NTHL1):c.586A>T (p.Ile196Phe)

Gene: NTHL1 (nth like DNA glycosylase 1; minus strand). Cytogenetic location: 16p13.3.
Variant type: single nucleotide variant.
Coding change: c.586A>T on transcript NM_002528.7 (MANE Select); coding-DNA position 586, A replaced by T.
Protein change: p.Ile196Phe; replaces isoleucine 196 with phenylalanine.
Molecular consequence: missense variant.
Genome position (GRCh38, 1-based): chr16:2,043,666, T>A on the plus strand (A>T on the coding strand, the complement: NTHL1 is on the minus strand). VCF-style: chr16-2043666-T-A. GRCh37 (hg19) VCF-style: chr16-2093667-T-A.
Other names: c.415A>T, p.Ile139Phe (NM_001318193.2); c.256A>T, p.Ile86Phe (NM_001318194.2); short protein forms I139F, I196F, I86F.
Identifiers: ClinVar variation 1751660 (VCV001751660.2), dbSNP rs2150941339, ClinGen allele CA394291851.